The following is an entry in ClinVar:

NM_080680.3(COL11A2):c.2215-9C>G

Gene: COL11A2 (collagen type XI alpha 2 chain; minus strand). Cytogenetic location: 6p21.32.
Variant type: single nucleotide variant.
Coding change: c.2215-9C>G on transcript NM_080680.3 (MANE Select); 9 bases into the intron before coding-DNA position 2215, C replaced by G.
Molecular consequence: intron variant.
Genome position (GRCh38, 1-based): chr6:33,176,078, G>C on the plus strand (C>G on the coding strand, the complement: COL11A2 is on the minus strand). VCF-style: chr6-33176078-G-C. GRCh37 (hg19) VCF-style: chr6-33143855-G-C.
Other names: c.1894-9C>G (NM_080679.3); c.1957-9C>G (NM_080681.3).
Identifiers: ClinVar variation 512842 (VCV000512842.9), dbSNP rs373659846, ClinGen allele CA3750989.

ClinVar aggregate classification (germline): Likely benign. Review status: criteria provided, multiple submitters, no conflicts (2 of 4 stars). 2 submissions from 2 submitters: Likely benign (2). Last evaluated 2024-02-05.

Allele frequency attached by ClinVar (database versions not stated): ExAC 0.00001; TOPMed 0.00001; ESP Exome Variant Server 0.00012.
gnomAD v4.1: 6 of 1,612,928 alleles (0.00037%); highest among the groups gnomAD compares: Non-Finnish European, 0.00051%; no homozygotes.

Submissions (2):

Labcorp Genetics (formerly Invitae), Labcorp
Classification: Likely benign. Last evaluated: 2024-02-05. Review status: criteria provided, single submitter. Criteria: Invitae Variant Classification Sherloc (09022015). Collection method: clinical testing. Allele origin: germline.

GeneDx
Classification: Likely benign. Last evaluated: 2017-10-26. Review status: criteria provided, single submitter. Criteria: GeneDx Variant Classification (06012015). Collection method: clinical testing. Allele origin: germline. Affected: yes.
Comment: This variant is considered likely benign or benign based on one or more of the following criteria: it is a conservative change, it occurs at a poorly conserved position in the protein, it is predicted to be benign by multiple in silico algorithms, and/or has population frequency not consistent with disease.